The following is an entry in ClinVar:

ClinVar aggregate classification (germline): Pathogenic. Review status: criteria provided, multiple submitters, no conflicts (2 of 4 stars). 3 submissions from 3 submitters: Pathogenic (2). 1 of the submissions does not count toward it. Last evaluated 2025-03-20.

Conditions:
Hereditary breast ovarian cancer syndrome. Also called: Hereditary breast and ovarian cancer syndrome (HBOC); Breast and ovarian cancer; Hereditary breast and ovarian cancer syndrome; Hereditary breast and ovarian cancer; BRCA1- and BRCA2-Associated Hereditary Breast and Ovarian Cancer; Hereditary breast and/or ovarian cancer syndrome. Identifiers: Orphanet 145, MedGen C0677776, MeSH D061325, MONDO:0003582. Disease mechanism: loss of function.
Breast-ovarian cancer, familial, susceptibility to, 1 (BROVCA1). Also called: BRCA1 Hereditary Breast and Ovarian Cancer; OVARIAN CANCER, SUSCEPTIBILITY TO. Identifiers: Orphanet 145, MedGen C2676676, MONDO:0011450, OMIM 604370. Disease mechanism: loss of function.

Submissions (3):

Labcorp Genetics (formerly Invitae), Labcorp
Classification: Pathogenic for Hereditary breast ovarian cancer syndrome. Last evaluated: 2025-03-20. Review status: criteria provided, single submitter. Criteria: Invitae Variant Classification Sherloc (09022015). Collection method: clinical testing. Allele origin: germline.
Comment: This sequence change affects a donor splice site in intron 14 of the BRCA1 gene. RNA analysis indicates that disruption of this splice site induces altered splicing and may result in an absent or altered protein product. This variant is not present in population databases (gnomAD no frequency). Disruption of this splice site has been observed in individual(s) with breast and/or ovarian cancer (PMID: 12491499, 23767878, 24884479). ClinVar contains an entry for this variant (Variation ID: 267553). Studies have shown that disruption of this splice site results in skipping of exon 14 (also known as exon 15 in the literature) and activation of a cryptic splice site, and produces a non-functional protein and/or introduces a premature termination codon (PMID: 18489799, 21394826; internal data). For these reasons, this variant has been classified as Pathogenic.

Consortium of Investigators of Modifiers of BRCA1/2 (CIMBA), c/o University of Cambridge
Classification: Pathogenic for Breast-ovarian cancer, familial, susceptibility to, 1. Last evaluated: 2015-10-02. Review status: criteria provided, single submitter. Criteria: CIMBA Mutation Classification guidelines May 2016. Collection method: clinical testing. Allele origin: germline.

Hereditary Cancer Genetics group, Vall d'Hebron Institute of Oncology
Classification: Likely pathogenic for Hereditary breast and ovarian cancer syndrome. Last evaluated: 2019-03-01. Review status: no assertion criteria provided. Collection method: research. Allele origin: germline. Affected: yes. Not counted in ClinVar's aggregate classification.

Literature cited by the submitters: PubMed 12491499 (cited by Labcorp Genetics (formerly Invitae), Labcorp); PubMed 23767878 (cited by Labcorp Genetics (formerly Invitae), Labcorp); PubMed 24884479 (cited by Labcorp Genetics (formerly Invitae), Labcorp); PubMed 18489799 (cited by Labcorp Genetics (formerly Invitae), Labcorp); PubMed 21394826 (cited by Labcorp Genetics (formerly Invitae), Labcorp); PubMed 30472649 (cited by Hereditary Cancer Genetics group, Vall d'Hebron Institute of Oncology).

NM_007294.4(BRCA1):c.4675+1G>C

Gene: BRCA1 (BRCA1 DNA repair associated; minus strand). Cytogenetic location: 17q21.31.
Variant type: single nucleotide variant.
Coding change: c.4675+1G>C on transcript NM_007294.4 (MANE Select); the canonical splice donor site of the intron after coding-DNA position 4675, G replaced by C.
Molecular consequence: splice donor variant. On other transcripts: intron variant (3).
Genome position (GRCh38, 1-based): chr17:43,074,330, C>G on the plus strand (G>C on the coding strand, the complement: BRCA1 is on the minus strand). VCF-style: chr17-43074330-C-G. GRCh37 (hg19) VCF-style: chr17-41226347-C-G.
Other names: c.4465+1G>C (NM_001407884.1, NM_001407881.1, NM_001407887.1 and 5 more transcripts); c.4663+1G>C (NM_001407646.1); c.1237+1G>C (NM_001408445.1, NM_001408446.1, NM_001408448.1 and 2 more transcripts); c.1240+1G>C (NM_001408432.1, NM_001408443.1, NM_001408439.1 and 10 more transcripts); c.4546+1G>C (NM_001407689.1, NM_001407681.1, NM_001407685.1 and 6 more transcripts); c.4549+1G>C (NM_001407670.1, NM_001407675.1, NM_001407680.1 and 11 more transcripts); c.1243+1G>C (NM_001408431.1, NM_001408425.1, NM_001408430.1 and 4 more transcripts); c.1246+1G>C (NM_001408424.1, NM_001408423.1, NM_001408421.1 and 1 more transcripts); and 71 more.
Identifiers: ClinVar variation 267553 (VCV000267553.10), dbSNP rs80358044, ClinGen allele CA10592161.